The following is an entry in ClinVar:

ClinVar aggregate classification (germline): Likely benign (1 of 4 stars; one submission).

Allele frequency attached by ClinVar (database versions not stated): ExAC 0.00001; TOPMed 0.00001; gnomAD exomes 0.00002.
gnomAD v4.1: 88 of 1,606,970 alleles (0.0055%); highest among the groups gnomAD compares: Non-Finnish European, 0.0073%; no homozygotes.

Submission:

Laboratory for Molecular Medicine, Mass General Brigham Personalized Medicine
Classification: Likely benign. Last evaluated: 2016-11-01. Review status: criteria provided, single submitter. Criteria: LMM Criteria. Collection method: clinical testing. Allele origin: germline. Observed: 1 variant allele.
Comment: p.Leu255Leu in exon 7 of GPSM2: This variant is not expected to have clinical si gnificance because it does not alter an amino acid residue and is not located wi thin the splice consensus sequence. It has been identified in 1/66060 European c hromosomes by the Exome Aggregation Consortium (ExAC .org; dbSNP rs778913696).

NM_013296.5(GPSM2):c.765T>G (p.Leu255=)

Gene: GPSM2 (G protein signaling modulator 2; plus strand). Cytogenetic location: 1p13.3.
Variant type: single nucleotide variant.
Coding change: c.765T>G on transcript NM_013296.5 (MANE Select); coding-DNA position 765, T replaced by G.
Protein change: p.Leu255=; no amino-acid change (leucine 255 retained).
Molecular consequence: synonymous variant.
Genome position (GRCh38, 1-based): chr1:108,898,962, T>G. VCF-style: chr1-108898962-T-G. GRCh37 (hg19) VCF-style: chr1-109441584-T-G.
Other names: c.765T>G, p.Leu255= (NM_001321038.2, NM_001321039.3).
Identifiers: ClinVar variation 505420 (VCV000505420.4), dbSNP rs778913696, ClinGen allele CA982869.